The following is an entry in ClinVar:

NM_018413.6(CHST11):c.865G>A (p.Val289Ile)

Gene: CHST11 (carbohydrate sulfotransferase 11; plus strand). Cytogenetic location: 12q23.3.
Variant type: single nucleotide variant.
Coding change: c.865G>A on transcript NM_018413.6 (MANE Select); coding-DNA position 865, G replaced by A.
Protein change: p.Val289Ile; replaces valine 289 with isoleucine.
Molecular consequence: missense variant.
Genome position (GRCh38, 1-based): chr12:104,757,609, G>A. VCF-style: chr12-104757609-G-A. GRCh37 (hg19) VCF-style: chr12-105151387-G-A.
Other names: c.850G>A, p.Val284Ile (NM_001173982.2); short protein forms V284I, V289I.
Identifiers: ClinVar variation 3040663 (VCV003040663.2), dbSNP rs150778990, ClinGen allele CA6756672.

ClinVar aggregate classification (germline): Likely benign (0 of 4 stars; one submission).

Conditions:
CHST11-related disorder. Also called: CHST11-related condition.

Allele frequency attached by ClinVar (database versions not stated): 1000 Genomes Project 30x 0.00047; 1000 Genomes Project 0.00060; TOPMed 0.00083; ESP Exome Variant Server 0.00092; gnomAD 0.00124; ExAC 0.00152.
gnomAD v4.1: 2,117 of 1,614,074 alleles (0.13%); highest among the groups gnomAD compares: South Asian, 0.16%; 5 homozygotes.

Submission:

PreventionGenetics, part of Exact Sciences
Classification: Likely benign for CHST11-related condition. Last evaluated: 2021-02-09. Review status: no assertion criteria provided. Collection method: clinical testing. Allele origin: germline.
Comment: This variant is classified as likely benign based on ACMG/AMP sequence variant interpretation guidelines (Richards et al. 2015 PMID: 25741868, with internal and published modifications).